The following is an entry in ClinVar:

ClinVar aggregate classification (germline): Conflicting classifications of pathogenicity. Review status: criteria provided, conflicting classifications (1 of 4 stars). 2 submissions from 2 submitters: Uncertain significance (1); Likely benign (1). Last evaluated 2023-12-05.

Conditions:
Hereditary cancer-predisposing syndrome. Also called: Hereditary Cancer Syndrome; Neoplastic Syndromes, Hereditary; Tumor predisposition; Hereditary neoplastic syndrome. Identifiers: Orphanet 140162, MedGen C0027672, MeSH D009386, MONDO:0015356.

gnomAD v4.1: 1 of 1,596,072 alleles (0.000063%); highest among the groups gnomAD compares: Non-Finnish European, 0.000085%; no homozygotes.

Submissions (2):

Color Diagnostics, LLC DBA Color Health
Classification: Uncertain significance for Hereditary cancer-predisposing syndrome. Last evaluated: 2023-12-05. Review status: criteria provided, single submitter. Criteria: ACMG Guidelines, 2015. Collection method: clinical testing. Allele origin: germline.
Comment: This missense variant replaces proline with leucine at codon 512 of the BRCA2 protein. Computational prediction suggests that this variant may not impact protein structure and function (internally defined REVEL score threshold <= 0.5, PMID: 27666373). To our knowledge, functional studies have not been reported for this variant. This variant has not been reported in individuals affected with BRCA2-related disorders in the literature. This variant has not been identified in the general population by the Genome Aggregation Database (gnomAD). The available evidence is insufficient to determine the role of this variant in disease conclusively. Therefore, this variant is classified as a Variant of Uncertain Significance.

University of Washington Department of Laboratory Medicine, University of Washington
Classification: Likely benign for Hereditary cancer-predisposing syndrome. Last evaluated: 2023-03-23. Review status: criteria provided, single submitter. Criteria: Dines et al. (Genet Med. 2020). Collection method: curation. Allele origin: germline.
Comment: Missense variant in a coldspot region where missense variants are very unlikely to be pathogenic (PMID:31911673).

BRCA2 exon 10 coldspot. Reclassification based on statistical prior probability.

NM_000059.4(BRCA2):c.1535C>T (p.Pro512Leu)

Gene: BRCA2 (BRCA2 DNA repair associated; plus strand). Cytogenetic location: 13q13.1.
Variant type: single nucleotide variant.
Coding change: c.1535C>T on transcript NM_000059.4 (MANE Select); coding-DNA position 1535, C replaced by T.
Protein change: p.Pro512Leu; replaces proline 512 with leucine.
Molecular consequence: missense variant.
Genome position (GRCh38, 1-based): chr13:32,333,013, C>T. VCF-style: chr13-32333013-C-T. GRCh37 (hg19) VCF-style: chr13-32907150-C-T.
Other names: short protein forms P512L.
Identifiers: ClinVar variation 491205 (VCV000491205.8), dbSNP rs1184226464, ClinGen allele CA387764606.